The following is an entry in ClinVar:

NM_000218.3(KCNQ1):c.478-20_478-19delinsTCAAGG

Gene: KCNQ1 (potassium voltage-gated channel subfamily Q member 1; plus strand). Cytogenetic location: 11p15.5.
Variant type: Indel.
Coding change: c.478-20_478-19delinsTCAAGG on transcript NM_000218.3 (MANE Select); 20 bases into the intron before coding-DNA position 478 through 19 bases into the intron before coding-DNA position 478, GT replaced by TCAAGG.
Molecular consequence: intron variant.
Genome position (GRCh38, 1-based): chr11:2,570,608-2,570,609, GT replaced by TCAAGG. VCF-style: chr11-2570608-GT-TCAAGG. GRCh37 (hg19) VCF-style: chr11-2591838-GT-TCAAGG.
Other names: c.208-20_208-19delinsTCAAGG (NM_001406837.1); c.478-20_478-19delinsTCAAGG (NM_001406836.1); c.478-12827_478-12826delinsTCAAGG (NM_001406838.1); c.97-20_97-19delinsTCAAGG (NM_181798.2); c.478-20_478-19delGTinsTCAAGG (NM_000218.2).
Identifiers: ClinVar variation 421568 (VCV000421568.3), dbSNP rs1064795214, ClinGen allele CA16619308.

ClinVar aggregate classification (germline): Likely benign (1 of 4 stars; one submission).

Submission:

GeneDx
Classification: Likely benign. Last evaluated: 2016-06-27. Review status: criteria provided, single submitter. Criteria: GeneDx Variant Classification (06012015). Collection method: clinical testing. Allele origin: germline. Affected: yes.
Comment: This variant is considered likely benign or benign based on one or more of the following criteria: it is a conservative change, it occurs at a poorly conserved position in the protein, it is predicted to be benign by multiple in silico algorithms, and/or has population frequency not consistent with disease.